The following is an entry in ClinVar:

NM_000453.3(SLC5A5):c.-70C>T

Gene: SLC5A5 (solute carrier family 5 member 5; plus strand). Cytogenetic location: 19p13.11.
Variant type: single nucleotide variant.
Coding change: c.-70C>T on transcript NM_000453.3 (MANE Select); 70 bases upstream of the start codon, C replaced by T.
Molecular consequence: 5 prime UTR variant.
Genome position (GRCh38, 1-based): chr19:17,872,250, C>T. VCF-style: chr19-17872250-C-T. GRCh37 (hg19) VCF-style: chr19-17983059-C-T.
Identifiers: ClinVar variation 328529 (VCV000328529.6), dbSNP rs118133504, ClinGen allele CA10648418.
Genomic context (GRCh38, chr19:17,872,250, plus strand): 5'-CGGAGCGGGGACAGGCTGCCGAGCATCCTCCCACCCGCCCTCCCCGTCCTGCCTCCTCGG[C>T]CCCTGCCAGCTTCCCCCGCTTGAGCACGCAGGGCGTCCGAGGACGCGCTGGGCCTCCGCA-3'

ClinVar aggregate classification (germline): Likely benign. Review status: criteria provided, multiple submitters, no conflicts (2 of 4 stars). 2 submissions from 2 submitters: Likely benign (2). Last evaluated 2018-01-12.

Conditions:
Thyroid dyshormonogenesis 1. Also called: HYPOTHYROIDISM, CONGENITAL, DUE TO DYSHORMONOGENESIS, 1; IODINE ACCUMULATION, TRANSPORT, OR TRAPPING DEFECT; THYROID HORMONOGENESIS, GENETIC DEFECT IN, 1; Familial thyroid dyshormonogenesis 1. Identifiers: Orphanet 95716, MedGen C1848805, MONDO:0020716, OMIM 274400.

Allele frequency attached by ClinVar (database versions not stated): 1000 Genomes Project 30x 0.02530; 1000 Genomes Project 0.02596; TOPMed 0.03400; gnomAD 0.03423 and 0.03533.
gnomAD v4.1: 33,299 of 560,874 alleles (5.9%); highest among the groups gnomAD compares: Middle Eastern, 9.3%; 914 homozygotes.

Submissions (2):

Illumina Laboratory Services, Illumina
Classification: Likely benign for Thyroid dyshormonogenesis 1. Last evaluated: 2018-01-12. Review status: criteria provided, single submitter. Criteria: ICSL Variant Classification Criteria 13 December 2019. Collection method: clinical testing. Allele origin: germline.
Comment: This variant was observed in the ICSL laboratory as part of a predisposition screen in an ostensibly healthy population. It had not been previously curated by ICSL or reported in the Human Gene Mutation Database (HGMD: prior to June 1st, 2018), and was therefore a candidate for classification through an automated scoring system. Utilizing variant allele frequency, disease prevalence and penetrance estimates, and inheritance mode, an automated score was calculated to assess if this variant is too frequent to cause the disease. Based on the score and internal cut-off values, a variant classified as likely benign is not then subjected to further curation. The score for this variant resulted in a classification of likely benign for this disease.

Breakthrough Genomics
Classification: Likely benign. Review status: criteria provided, single submitter. Criteria: ACMG Guidelines, 2015. Collection method: not provided. Allele origin: germline. Inheritance: Autosomal recessive inheritance. Affected: yes.